The following is an entry in ClinVar:

NM_000037.4(ANK1):c.4390+5G>T

Gene: ANK1 (ankyrin 1; minus strand). Cytogenetic location: 8p11.21.
Variant type: single nucleotide variant.
Coding change: c.4390+5G>T on transcript NM_000037.4 (MANE Select); 5 bases into the intron after coding-DNA position 4390, G replaced by T.
Molecular consequence: intron variant.
Genome position (GRCh38, 1-based): chr8:41,686,147, C>A on the plus strand (G>T on the coding strand, the complement: ANK1 is on the minus strand). VCF-style: chr8-41686147-C-A. GRCh37 (hg19) VCF-style: chr8-41543665-C-A.
Other names: c.4513+5G>T (NM_001142446.2); c.4390+5G>T (NM_020477.3, NM_020475.3, NM_020476.3).
Identifiers: ClinVar variation 4731818 (VCV004731818.1).

ClinVar aggregate classification (germline): Uncertain significance (1 of 4 stars; one submission).

Submission:

Labcorp Genetics (formerly Invitae), Labcorp
Classification: Uncertain significance. Last evaluated: 2025-11-23. Review status: criteria provided, single submitter. Criteria: Invitae Variant Classification Sherloc (09022015). Collection method: clinical testing. Allele origin: germline.
Comment: This sequence change falls in intron 36 of the ANK1 gene. It does not directly change the encoded amino acid sequence of the ANK1 protein. It affects a nucleotide within the consensus splice site. This variant is not present in population databases (gnomAD no frequency). This variant has been observed in individual(s) with spherocytosis (internal data). Variants that disrupt the consensus splice site are a relatively common cause of aberrant splicing (PMID: 17576681, 9536098). Algorithms developed to predict the effect of sequence changes on RNA splicing suggest that this variant may disrupt the consensus splice site. In summary, the available evidence is currently insufficient to determine the role of this variant in disease. Therefore, it has been classified as a Variant of Uncertain Significance.

Literature cited by the submitters: PubMed 17576681; PubMed 9536098.